The following is an entry in ClinVar:

NM_015512.5(DNAH1):c.12095A>G (p.Asn4032Ser)

Gene: DNAH1 (dynein axonemal heavy chain 1; plus strand). Cytogenetic location: 3p21.1.
Variant type: single nucleotide variant.
Coding change: c.12095A>G on transcript NM_015512.5 (MANE Select); coding-DNA position 12095, A replaced by G.
Protein change: p.Asn4032Ser; replaces asparagine 4032 with serine.
Molecular consequence: missense variant.
Genome position (GRCh38, 1-based): chr3:52,398,855, A>G. VCF-style: chr3-52398855-A-G. GRCh37 (hg19) VCF-style: chr3-52432871-A-G.
Other names: short protein forms N4032S.
Identifiers: ClinVar variation 1444513 (VCV001444513.7), dbSNP rs759427194, ClinGen allele CA2436405.

ClinVar aggregate classification (germline): Uncertain significance (1 of 4 stars; one submission).

Conditions:
Spermatogenic failure 18. Identifiers: MedGen C4539783, MONDO:0054615, OMIM 617576.
Ciliary dyskinesia, primary, 37 (CILD37). Also called: CILIARY DYSKINESIA, PRIMARY, 37, WITH OR WITHOUT SITUS INVERSUS. Identifiers: MedGen C4539798, MONDO:0033204, OMIM 617577.

Allele frequency attached by ClinVar (database versions not stated): gnomAD 0.00003 and 0.00004; gnomAD exomes 0.00003; TOPMed 0.00003; ExAC 0.00007.
gnomAD v4.1: 35 of 1,540,862 alleles (0.0023%); highest among the groups gnomAD compares: Non-Finnish European, 0.003%; no homozygotes.

Submission:

Labcorp Genetics (formerly Invitae), Labcorp
Classification: Uncertain significance for Ciliary dyskinesia, primary, 37; Spermatogenic failure 18. Last evaluated: 2024-01-18. Review status: criteria provided, single submitter. Criteria: Invitae Variant Classification Sherloc (09022015). Collection method: clinical testing. Allele origin: germline.
Comment: This sequence change replaces asparagine, which is neutral and polar, with serine, which is neutral and polar, at codon 4032 of the DNAH1 protein (p.Asn4032Ser). This variant is present in population databases (rs759427194, gnomAD 0.006%). This missense change has been observed in individual(s) with clinical features of primary ciliary dyskinesia (Invitae). ClinVar contains an entry for this variant (Variation ID: 1444513). Advanced modeling of protein sequence and biophysical properties (such as structural, functional, and spatial information, amino acid conservation, physicochemical variation, residue mobility, and thermodynamic stability) has been performed at Invitae for this missense variant, however the output from this modeling did not meet the statistical confidence thresholds required to predict the impact of this variant on DNAH1 protein function. In summary, the available evidence is currently insufficient to determine the role of this variant in disease. Therefore, it has been classified as a Variant of Uncertain Significance.